The following is an entry in ClinVar:

ClinVar aggregate classification (germline): Likely benign (1 of 4 stars; one submission).

gnomAD v4.1: 26 of 397,396 alleles (0.0065%); highest among the groups gnomAD compares: South Asian, 0.32%; no homozygotes.

Submission:

CeGaT Center for Human Genetics Tuebingen
Classification: Likely benign. Last evaluated: 2026-09-01. Review status: criteria provided, single submitter. Criteria: CeGaT Center For Human Genetics Tuebingen Variant Classification Criteria Version 2. Collection method: clinical testing. Allele origin: germline. Affected: yes. Observed: 1 variant allele.
Comment: KCNQ1OT1: BS1

NM_000218.3(KCNQ1):c.1394-36190C>A

Genes: KCNQ1 (potassium voltage-gated channel subfamily Q member 1; plus strand), KCNQ1OT1 (KCNQ1 opposite strand/antisense transcript 1; minus strand). Cytogenetic location: 11p15.5.
Variant type: single nucleotide variant.
Coding change: c.1394-36190C>A on transcript NM_000218.3 (MANE Select); 36190 bases into the intron before coding-DNA position 1394, C replaced by A.
Molecular consequence: intron variant. On other transcripts: non-coding transcript variant (1).
Genome position (GRCh38, 1-based): chr11:2,625,771, C>A. VCF-style: chr11-2625771-C-A. GRCh37 (hg19) VCF-style: chr11-2647001-C-A.
Other names: c.1124-36190C>A (NM_001406837.1); c.1298-36190C>A (NM_001406836.1); c.854-36190C>A (NM_001406838.1); c.1013-36190C>A (NM_181798.2).
Identifiers: ClinVar variation 5040899 (VCV005040899.1).